The following is an entry in ClinVar:

NM_000353.3(TAT):c.804C>T (p.Thr268=)

Genes: TAT (tyrosine aminotransferase; minus strand), TAT-AS1 (TAT antisense RNA 1; plus strand). Cytogenetic location: 16q22.2.
Variant type: single nucleotide variant.
Coding change: c.804C>T on transcript NM_000353.3 (MANE Select); coding-DNA position 804, C replaced by T.
Protein change: p.Thr268=; no amino-acid change (threonine 268 retained).
Molecular consequence: synonymous variant.
Genome position (GRCh38, 1-based): chr16:71,570,787, G>A on the plus strand (C>T on the coding strand, the complement: TAT is on the minus strand). VCF-style: chr16-71570787-G-A. GRCh37 (hg19) VCF-style: chr16-71604690-G-A.
Identifiers: ClinVar variation 788246 (VCV000788246.15), dbSNP rs535089911, ClinGen allele CA8153886.
Genomic context (GRCh38, chr16:71,570,787, plus strand): 5'-CCTCCAGCCAGGAACCAGCCAGCGCTTGGCCAGCCCTCCACAGGACAGGATGGGGACATC[G>A]GTGCTGAGGGTGGCCAGTGGTTCATATTTGCAATCCGAAAACACCTGAGAAGAGGCACTT-3'
Protein context (NP_000344.1, residues 258-278): CKYEPLATLS[Thr268=]DVPILSCGGL

ClinVar aggregate classification (germline): Benign/Likely benign. Review status: criteria provided, multiple submitters, no conflicts (2 of 4 stars). 4 submissions from 4 submitters: Benign (1); Likely benign (2). 1 of the submissions does not count toward it. Last evaluated 2026-01-21.

Conditions:
TAT-related disorder. Also called: TAT-related condition.
Inborn genetic diseases. Identifiers: MedGen C0950123, MeSH D030342.
Tyrosinemia type II (TYRSN2). Also called: KERATOSIS PALMOPLANTARIS WITH CORNEAL DYSTROPHY; OREGON TYPE TYROSINEMIA; TAT DEFICIENCY; TYROSINE AMINOTRANSFERASE DEFICIENCY; TYROSINE TRANSAMINASE DEFICIENCY. Identifiers: Orphanet 28378, MedGen C0268487, MONDO:0010160, OMIM 276600.

Allele frequency attached by ClinVar (database versions not stated): TOPMed 0.00011; gnomAD 0.00013; gnomAD exomes 0.00100; ExAC 0.00111; 1000 Genomes Project 0.00120; 1000 Genomes Project 30x 0.00141.
gnomAD v4.1: 781 of 1,614,172 alleles (0.048%); highest among the groups gnomAD compares: South Asian, 0.78%; 9 homozygotes.

Submissions (4):

Labcorp Genetics (formerly Invitae), Labcorp
Classification: Benign for Tyrosinemia type II. Last evaluated: 2026-01-21. Review status: criteria provided, single submitter. Criteria: Invitae Variant Classification Sherloc (09022015). Collection method: clinical testing. Allele origin: germline.

Ambry Genetics
Classification: Likely benign for Inborn genetic diseases. Last evaluated: 2025-03-28. Review status: criteria provided, single submitter. Criteria: Ambry Variant Classification Scheme 2023. Collection method: clinical testing. Allele origin: germline.

Blueprint Genetics
Classification: Likely benign. Last evaluated: 2024-10-08. Review status: criteria provided, single submitter. Criteria: ACMG Guidelines, 2015. Collection method: clinical testing. Allele origin: germline.

PreventionGenetics, part of Exact Sciences
Classification: Likely benign for TAT-related condition. Last evaluated: 2019-02-22. Review status: no assertion criteria provided. Collection method: clinical testing. Allele origin: germline. Not counted in ClinVar's aggregate classification.
Comment: This variant is classified as likely benign based on ACMG/AMP sequence variant interpretation guidelines (Richards et al. 2015 PMID: 25741868, with internal and published modifications).